The following is an entry in ClinVar:

NM_001136035.4(TRMT1):c.640C>T (p.Arg214Trp)

Gene: TRMT1 (tRNA methyltransferase 1; minus strand). Cytogenetic location: 19p13.13.
Variant type: single nucleotide variant.
Coding change: c.640C>T on transcript NM_001136035.4 (MANE Select); coding-DNA position 640, C replaced by T.
Protein change: p.Arg214Trp; replaces arginine 214 with tryptophan.
Molecular consequence: missense variant. On other transcripts: 5 prime UTR variant (1).
Genome position (GRCh38, 1-based): chr19:13,115,280, G>A on the plus strand (C>T on the coding strand, the complement: TRMT1 is on the minus strand). VCF-style: chr19-13115280-G-A. GRCh37 (hg19) VCF-style: chr19-13226094-G-A.
Other names: c.640C>T, p.Arg214Trp (NM_001142554.3, NM_001351760.2, NM_017722.5); c.532C>T, p.Arg178Trp (NM_001351761.2); c.-131C>T (NM_001351762.2); short protein forms R178W, R214W.
Identifiers: ClinVar variation 1801088 (VCV001801088.1), dbSNP rs148560960, ClinGen allele CA9237993.

ClinVar aggregate classification (germline): Uncertain significance (1 of 4 stars; one submission).

Allele frequency attached by ClinVar (database versions not stated): ExAC 0.00005; gnomAD 0.00008; TOPMed 0.00009; gnomAD exomes 0.00012; ESP Exome Variant Server 0.00015.

Submission:

GeneDx
Classification: Uncertain significance. Last evaluated: 2022-05-23. Review status: criteria provided, single submitter. Criteria: GeneDx Variant Classification Process June 2021. Collection method: clinical testing. Allele origin: germline. Affected: yes.
Comment: In silico analysis supports that this missense variant does not alter protein structure/function; Has not been previously published as pathogenic or benign to our knowledge